The following is an entry in ClinVar:

NM_004656.4(BAP1):c.1479A>G (p.Thr493=)

Gene: BAP1 (BRCA1 associated deubiquitinase 1; minus strand). Cytogenetic location: 3p21.1.
Variant type: single nucleotide variant.
Coding change: c.1479A>G on transcript NM_004656.4 (MANE Select); coding-DNA position 1479, A replaced by G.
Protein change: p.Thr493=; no amino-acid change (threonine 493 retained).
Molecular consequence: synonymous variant.
Genome position (GRCh38, 1-based): chr3:52,403,666, T>C on the plus strand (A>G on the coding strand, the complement: BAP1 is on the minus strand). VCF-style: chr3-52403666-T-C. GRCh37 (hg19) VCF-style: chr3-52437682-T-C.
Identifiers: ClinVar variation 628548 (VCV000628548.16), dbSNP rs1559586774, ClinGen allele CA433886251.

ClinVar aggregate classification (germline): Benign/Likely benign. Review status: criteria provided, multiple submitters, no conflicts (2 of 4 stars). 5 submissions from 5 submitters: Benign (1); Likely benign (4). Last evaluated 2026-01-09.

Conditions:
BAP1-related tumor predisposition syndrome (TPDS1). Also called: Tumor susceptibility linked to germline BAP1 mutations; BAP1 tumor predisposition syndrome; COMMON Syndrome; TUMOR PREDISPOSITION SYNDROME 1. Identifiers: Orphanet 289539, MedGen C3280492, MONDO:0013692, OMIM 614327.
BAP1-related disorder. Also called: BAP1-related condition.
Hereditary cancer-predisposing syndrome. Also called: Neoplastic Syndromes, Hereditary; Tumor predisposition; Hereditary neoplastic syndrome; Hereditary Cancer Syndrome. Identifiers: Orphanet 140162, MedGen C0027672, MeSH D009386, MONDO:0015356.

Allele frequency attached by ClinVar (database versions not stated): gnomAD exomes below 0.00001.
gnomAD v4.1: 2 of 1,613,900 alleles (0.00012%); highest among the groups gnomAD compares: Non-Finnish European, 0.00017%; no homozygotes.

Submissions (5):

PreventionGenetics, part of Exact Sciences
Classification: Likely benign for BAP1-related condition. Last evaluated: 2026-01-09. Review status: criteria provided, single submitter. Criteria: ACMG Guidelines, 2015. Collection method: clinical testing. Allele origin: germline.
Comment: This variant is classified as likely benign based on ACMG/AMP sequence variant interpretation guidelines (Richards et al. 2015 PMID: 25741868, with internal and published modifications).

Labcorp Genetics (formerly Invitae), Labcorp
Classification: Likely benign for BAP1-related tumor predisposition syndrome. Last evaluated: 2025-12-14. Review status: criteria provided, single submitter. Criteria: Invitae Variant Classification Sherloc (09022015). Collection method: clinical testing. Allele origin: germline.

Myriad Genetics, Inc.
Classification: Benign for BAP1-related tumor predisposition syndrome. Last evaluated: 2024-07-16. Review status: criteria provided, single submitter. Criteria: Myriad Autosomal Dominant, Autosomal Recessive and X-Linked Classification Criteria (2023). Collection method: clinical testing. Allele origin: unknown.
Comment: This variant is considered benign. This variant is a silent/synonymous amino acid change and it is not expected to impact splicing.

Ambry Genetics
Classification: Likely benign for Hereditary cancer-predisposing syndrome. Last evaluated: 2022-05-26. Review status: criteria provided, single submitter. Criteria: Ambry Variant Classification Scheme 2023. Collection method: clinical testing. Allele origin: germline.

Color Diagnostics, LLC DBA Color Health
Classification: Likely benign for Hereditary cancer-predisposing syndrome. Last evaluated: 2018-06-05. Review status: criteria provided, single submitter. Criteria: ACMG Guidelines, 2015. Collection method: clinical testing. Allele origin: germline.